The following is an entry in ClinVar:

ClinVar aggregate classification (germline): Uncertain significance (1 of 4 stars; one submission).

Allele frequency attached by ClinVar (database versions not stated): gnomAD exomes below 0.00001.
gnomAD v4.1: 2 of 1,613,996 alleles (0.00012%); highest among the groups gnomAD compares: Non-Finnish European, 0.000085%; no homozygotes.

Submission:

Labcorp Genetics (formerly Invitae), Labcorp
Classification: Uncertain significance. Last evaluated: 2023-09-24. Review status: criteria provided, single submitter. Criteria: Invitae Variant Classification Sherloc (09022015). Collection method: clinical testing. Allele origin: germline.
Comment: In summary, the available evidence is currently insufficient to determine the role of this variant in disease. Therefore, it has been classified as a Variant of Uncertain Significance. Advanced modeling of protein sequence and biophysical properties (such as structural, functional, and spatial information, amino acid conservation, physicochemical variation, residue mobility, and thermodynamic stability) has been performed at Invitae for this missense variant, however the output from this modeling did not meet the statistical confidence thresholds required to predict the impact of this variant on ABCB4 protein function. This variant has not been reported in the literature in individuals affected with ABCB4-related conditions. This variant is present in population databases (no rsID available, gnomAD 0.01%). This sequence change replaces glycine, which is neutral and non-polar, with glutamic acid, which is acidic and polar, at codon 893 of the ABCB4 protein (p.Gly893Glu).

NM_000443.4(ABCB4):c.2678G>A (p.Gly893Glu)

Gene: ABCB4 (ATP binding cassette subfamily B member 4; minus strand). Cytogenetic location: 7q21.12.
Variant type: single nucleotide variant.
Coding change: c.2678G>A on transcript NM_000443.4 (MANE Select); coding-DNA position 2678, G replaced by A.
Protein change: p.Gly893Glu; replaces glycine 893 with glutamic acid.
Molecular consequence: missense variant.
Genome position (GRCh38, 1-based): chr7:87,417,316, C>T on the plus strand (G>A on the coding strand, the complement: ABCB4 is on the minus strand). VCF-style: chr7-87417316-C-T. GRCh37 (hg19) VCF-style: chr7-87046632-C-T.
Other names: c.2678G>A, p.Gly893Glu (NM_018849.3, NM_018850.3); short protein forms G893E.
Identifiers: ClinVar variation 2778269 (VCV002778269.3), dbSNP rs1174256480, ClinGen allele CA368061023.